The following is an entry in ClinVar:

NM_000428.3(LTBP2):c.2660-3C>T

Gene: LTBP2 (latent transforming growth factor beta binding protein 2; minus strand). Cytogenetic location: 14q24.3.
Variant type: single nucleotide variant.
Coding change: c.2660-3C>T on transcript NM_000428.3 (MANE Select); 3 bases into the intron before coding-DNA position 2660, C replaced by T.
Molecular consequence: intron variant.
Genome position (GRCh38, 1-based): chr14:74,522,042, G>A on the plus strand (C>T on the coding strand, the complement: LTBP2 is on the minus strand). VCF-style: chr14-74522042-G-A. GRCh37 (hg19) VCF-style: chr14-74988745-G-A.
Identifiers: ClinVar variation 1973881 (VCV001973881.3), dbSNP rs2506147978, ClinGen allele CA2580088717.

ClinVar aggregate classification (germline): Uncertain significance (1 of 4 stars; one submission).

gnomAD v4.1: 16 of 1,612,000 alleles (0.00099%); highest among the groups gnomAD compares: Non-Finnish European, 0.0014%; no homozygotes.

Submission:

Labcorp Genetics (formerly Invitae), Labcorp
Classification: Uncertain significance. Last evaluated: 2022-05-12. Review status: criteria provided, single submitter. Criteria: Invitae Variant Classification Sherloc (09022015). Collection method: clinical testing. Allele origin: germline.
Comment: This variant has not been reported in the literature in individuals affected with LTBP2-related conditions. Variants that disrupt the consensus splice site are a relatively common cause of aberrant splicing (PMID: 17576681, 9536098). Algorithms developed to predict the effect of sequence changes on RNA splicing suggest that this variant is not likely to affect RNA splicing. In summary, the available evidence is currently insufficient to determine the role of this variant in disease. Therefore, it has been classified as a Variant of Uncertain Significance. This variant is not present in population databases (gnomAD no frequency). This sequence change falls in intron 16 of the LTBP2 gene. It does not directly change the encoded amino acid sequence of the LTBP2 protein. It affects a nucleotide within the consensus splice site.

Literature cited by the submitters: PubMed 17576681; PubMed 9536098.